The following is an entry in ClinVar:

ClinVar aggregate classification (germline): Pathogenic/Likely pathogenic. Review status: criteria provided, multiple submitters, no conflicts (2 of 4 stars). 3 submissions from 3 submitters: Pathogenic (2); Likely pathogenic (1). Last evaluated 2025-10-01.

Conditions:
Combined deficiency of sialidase AND beta galactosidase (GSL). Also called: Galactosialidosis; NEURAMINIDASE DEFICIENCY WITH BETA-GALACTOSIDASE DEFICIENCY; NEURAMINIDASE/BETA-GALACTOSIDASE EXPRESSION; PPCA DEFICIENCY; PROTECTIVE PROTEIN/CATHEPSIN A DEFICIENCY; CATHEPSIN A DEFICIENCY. Identifiers: Orphanet 351, MedGen C0268233, MONDO:0009737, OMIM 256540.

Allele frequency attached by ClinVar (database versions not stated): gnomAD exomes below 0.00001; gnomAD 0.00001.
gnomAD v4.1: 7 of 1,613,918 alleles (0.00043%); highest among the groups gnomAD compares: African/African-American, 0.0027%; no homozygotes.

Submissions (3):

Labcorp Genetics (formerly Invitae), Labcorp
Classification: Pathogenic for Combined deficiency of sialidase AND beta galactosidase. Last evaluated: 2025-10-01. Review status: criteria provided, single submitter. Criteria: Invitae Variant Classification Sherloc (09022015). Collection method: clinical testing. Allele origin: germline.
Comment: This sequence change creates a premature translational stop signal (p.Arg393*) in the CTSA gene. It is expected to result in an absent or disrupted protein product. Loss-of-function variants in CTSA are known to be pathogenic (PMID: 15110321, 23915561). This variant is present in population databases (no rsID available, gnomAD 0.003%). This variant has not been reported in the literature in individuals affected with CTSA-related conditions. ClinVar contains an entry for this variant (Variation ID: 1068984). Algorithms developed to predict the effect of sequence changes on RNA splicing suggest that this variant may disrupt the consensus splice site. For these reasons, this variant has been classified as Pathogenic.

3billion
Classification: Pathogenic for Combined deficiency of sialidase AND beta galactosidase. Last evaluated: 2025-02-27. Review status: criteria provided, single submitter. Criteria: ACMG Guidelines, 2015. Collection method: clinical testing. Allele origin: germline. Affected: yes.
Comment: The variant is observed at an extremely low frequency in the gnomAD v4.1.0 dataset (total allele frequency: <0.001%). Predicted Consequence/Location: Stop-gained (nonsense): predicted to result in a loss or disruption of normal protein function through nonsense-mediated decay (NMD) or protein truncation. Multiple pathogenic variants are reported downstream of the variant. The variant has been reported at least twice as pathogenic with clinical assertions and evidence for the classification (ClinVar ID: VCV001068984). Therefore, this variant is classified as Pathogenic according to the recommendation of ACMG/AMP guideline.

Women's Health and Genetics/Laboratory Corporation of America, LabCorp
Classification: Likely pathogenic for Combined deficiency of sialidase AND beta galactosidase. Last evaluated: 2023-02-14. Review status: criteria provided, single submitter. Criteria: LabCorp Variant Classification Summary - May 2015. Collection method: clinical testing. Allele origin: germline.
Comment: Variant summary: CTSA c.1177C>T (p.Arg393X) results in a premature termination codon, predicted to cause a truncation of the encoded protein or absence of the protein due to nonsense mediated decay, which are commonly known mechanisms for disease. Truncations downstream of this position have been classified as pathogenic in ClinVar database and found in patients affected with Galactosialidosis in HGMD. The variant allele was found at a frequency of 4e-06 in 251382 control chromosomes (gnomAD). To our knowledge, no occurrence of c.1177C>T in individuals affected with Galactosialidosis and no experimental evidence demonstrating its impact on protein function have been reported. One ClinVar submitter (evaluation after 2014) cites this variant as pathogenic. Based on the evidence outlined above, the variant was classified as likely pathogenic.

Literature cited by the submitters: PubMed 15110321 (cited by Labcorp Genetics (formerly Invitae), Labcorp); PubMed 23915561 (cited by Labcorp Genetics (formerly Invitae), Labcorp).

NM_000308.4(CTSA):c.1123C>T (p.Arg375Ter)

Gene: CTSA (cathepsin A; plus strand). Cytogenetic location: 20q13.12.
Variant type: single nucleotide variant.
Coding change: c.1123C>T on transcript NM_000308.4 (MANE Select); coding-DNA position 1123, C replaced by T.
Protein change: p.Arg375Ter; replaces arginine 375 with a stop codon.
Molecular consequence: nonsense. On other transcripts: non-coding transcript variant (1).
Genome position (GRCh38, 1-based): chr20:45,896,999, C>T. VCF-style: chr20-45896999-C-T. GRCh37 (hg19) VCF-style: chr20-44525638-C-T.
Other names: c.1123C>T, p.Arg375Ter (NM_001127695.3); c.1072C>T, p.Arg358Ter (NM_001167594.3); c.1177C>T (NM_000308.3); short protein forms R375*, R358*.
Identifiers: ClinVar variation 1068984 (VCV001068984.8), dbSNP rs1189568492, ClinGen allele CA409253283.